The following is an entry in ClinVar:

ClinVar aggregate classification (germline): Uncertain significance. Review status: criteria provided, multiple submitters, no conflicts (2 of 4 stars). 6 submissions from 6 submitters: Uncertain significance (6). Last evaluated 2025-02-01.

Conditions:
Autosomal recessive limb-girdle muscular dystrophy type 2K. Also called: MUSCULAR DYSTROPHY, LIMB-GIRDLE, TYPE 2K; MUSCULAR DYSTROPHY-DYSTROGLYCANOPATHY (LIMB-GIRDLE), TYPE C, 1. Identifiers: Orphanet 86812, MedGen C1836373, MONDO:0012248, OMIM 609308.
Walker-Warburg congenital muscular dystrophy. Also called: Muscular dystrophy-dystroglycanopathy, type A; Walker-Warburg syndrome. Identifiers: Orphanet 899, MedGen C0265221, MONDO:0000171.
Muscular dystrophy-dystroglycanopathy (congenital with impaired intellectual development), type B, 1. Also called: Muscular dystrophy-dystroglycanopathy (congenital with intellectual disability), type B1; MUSCULAR DYSTROPHY, CONGENITAL, POMT1-RELATED. Identifiers: MedGen C5436962, MONDO:0013159, OMIM 613155.
Inborn genetic diseases. Identifiers: MedGen C0950123, MeSH D030342.
Muscular dystrophy-dystroglycanopathy (congenital with brain and eye anomalies), type A1 (MDDGA1). Also called: WALKER-WARBURG SYNDROME OR MUSCLE-EYE-BRAIN DISEASE, POMT1-RELATED; Hydrocephalus, agyria and retinal dysplasia; Hard +/- E syndrome; Warburg syndrome; Chemke syndrome; Pagon syndrome. Identifiers: Orphanet 588, Orphanet 899, MedGen C4284790, MONDO:0009364, OMIM 236670.

Allele frequency attached by ClinVar (database versions not stated): ExAC 0.00001; TOPMed 0.00002; gnomAD 0.00001; gnomAD exomes 0.00003.
gnomAD v4.1: 49 of 1,614,050 alleles (0.003%); highest among the groups gnomAD compares: South Asian, 0.025%; 1 homozygote.

Submissions (6):

Ambry Genetics
Classification: Uncertain significance for Inborn genetic diseases. Last evaluated: 2025-02-01. Review status: criteria provided, single submitter. Criteria: Ambry Variant Classification Scheme 2023. Collection method: clinical testing. Allele origin: germline.

GeneDx
Classification: Uncertain significance. Last evaluated: 2023-06-08. Review status: criteria provided, single submitter. Criteria: GeneDx Variant Classification Process June 2021. Collection method: clinical testing. Allele origin: germline. Affected: yes.
Comment: Not observed at significant frequency in large population cohorts (gnomAD); In silico analysis supports that this missense variant has a deleterious effect on protein structure/function; Has not been previously published as pathogenic or benign to our knowledge

Labcorp Genetics (formerly Invitae), Labcorp
Classification: Uncertain significance for Muscular dystrophy-dystroglycanopathy (congenital with impaired intellectual development), type B, 1; Walker-Warburg congenital muscular dystrophy; Autosomal recessive limb-girdle muscular dystrophy type 2K. Last evaluated: 2022-03-18. Review status: criteria provided, single submitter. Criteria: Invitae Variant Classification Sherloc (09022015). Collection method: clinical testing. Allele origin: germline.
Comment: This sequence change replaces alanine, which is neutral and non-polar, with threonine, which is neutral and polar, at codon 264 of the POMT1 protein (p.Ala264Thr). This variant is present in population databases (rs779771679, gnomAD 0.01%). This variant has not been reported in the literature in individuals affected with POMT1-related conditions. ClinVar contains an entry for this variant (Variation ID: 432550). Algorithms developed to predict the effect of missense changes on protein structure and function are either unavailable or do not agree on the potential impact of this missense change (SIFT: "Tolerated"; PolyPhen-2: "Probably Damaging"; Align-GVGD: "Class C0"). In summary, the available evidence is currently insufficient to determine the role of this variant in disease. Therefore, it has been classified as a Variant of Uncertain Significance.

Fulgent Genetics
Classification: Uncertain significance for Muscular dystrophy-dystroglycanopathy (congenital with brain and eye anomalies), type A1; Autosomal recessive limb-girdle muscular dystrophy type 2K; Muscular dystrophy-dystroglycanopathy (congenital with impaired intellectual development), type B, 1. Last evaluated: 2021-07-06. Review status: criteria provided, single submitter. Criteria: ACMG Guidelines, 2015. Collection method: clinical testing. Allele origin: unknown.

Genetic Services Laboratory, University of Chicago
Classification: Uncertain significance. Last evaluated: 2017-02-28. Review status: criteria provided, single submitter. Criteria: ACMG Guidelines, 2015. Collection method: clinical testing. Allele origin: germline. Affected: no.

Eurofins Ntd Llc (ga)
Classification: Uncertain significance. Last evaluated: 2016-12-01. Review status: criteria provided, single submitter. Criteria: EGL Classification Definitions 2015. Collection method: clinical testing. Allele origin: germline. Observed: 1 variant allele, 1 heterozygote.

NM_001077365.2(POMT1):c.724G>A (p.Ala242Thr)

Gene: POMT1 (protein O-mannosyltransferase 1; plus strand). Cytogenetic location: 9q34.13.
Variant type: single nucleotide variant.
Coding change: c.724G>A on transcript NM_001077365.2 (MANE Select); coding-DNA position 724, G replaced by A.
Protein change: p.Ala242Thr; replaces alanine 242 with threonine.
Molecular consequence: missense variant. On other transcripts: non-coding transcript variant (10).
Genome position (GRCh38, 1-based): chr9:131,510,284, G>A. VCF-style: chr9-131510284-G-A. GRCh37 (hg19) VCF-style: chr9-134385671-G-A.
Other names: c.562G>A, p.Ala188Thr (NM_001077366.2, NM_001353194.2, NM_001374693.1); c.724G>A, p.Ala242Thr (NM_001136113.2, NM_001374690.1); c.373G>A, p.Ala125Thr (NM_001136114.2, NM_001353195.2, NM_001374691.1 and 1 more transcripts); c.790G>A, p.Ala264Thr (NM_001353193.2, NM_007171.4); c.634G>A, p.Ala212Thr (NM_001353196.2); c.628G>A, p.Ala210Thr (NM_001353197.2, NM_001353198.2); c.439G>A, p.Ala147Thr (NM_001353199.2); c.268G>A, p.Ala90Thr (NM_001353200.2); and 2 more; short protein forms A264T, A125T, A210T, A212T, A242T, A90T, A188T, A147T.
Identifiers: ClinVar variation 432550 (VCV000432550.20), dbSNP rs779771679, ClinGen allele CA5293428.
Genomic context (GRCh38, chr9:131,510,284, plus strand): 5'-GCAGTGGAACATGACTTTTCTTTGAATCTCTGGCAGGTCTGTGTGTTCTGTCACTTGCTC[G>A]CCCGAGCAGTGGCTTTGCTGGTCATCCCGGTCGTCCTGTACTTACTGTTCTTCTACGTCC-3'
Protein context (NP_001070833.1, residues 232-252): SNVCVFCHLL[Ala242Thr]RAVALLVIPV